The following is an entry in ClinVar:

NM_001164277.2(SLC37A4):c.927del (p.Gly310fs)

Gene: SLC37A4 (solute carrier family 37 member 4; minus strand). Cytogenetic location: 11q23.3.
Variant type: Deletion.
Coding change: c.927del on transcript NM_001164277.2 (MANE Select); coding-DNA position 927, one base deleted (T; older notation c.927delT).
Protein change: p.Gly310fs; shifts the reading frame from glycine 310.
Molecular consequence: frameshift variant.
Genome position (GRCh38, 1-based): chr11:119,026,024, A deleted on the plus strand (T on the coding strand, the reverse complement: SLC37A4 is on the minus strand). VCF-style (leftmost placement, unchanged base first): chr11-119026023-CA-C. GRCh37 (hg19) VCF-style: chr11-118896733-CA-C.
Other names: c.927del, p.Gly310fs (NM_001164278.2, NM_001164280.2, NM_001467.6); c.708del, p.Gly237fs (NM_001164279.2); short protein forms G237fs, G310fs.
Identifiers: ClinVar variation 846755 (VCV000846755.7), dbSNP rs1943557200, ClinGen allele CA916079937.

ClinVar aggregate classification (germline): Pathogenic (1 of 4 stars; one submission).

Conditions:
Glucose-6-phosphate transport defect (GSD1B). Also called: Glycogen Storage Disease Type Ib; GSD Ib. Identifiers: Orphanet 364, Orphanet 79259, MedGen C0268146, MONDO:0009288, OMIM 232220.

Submission:

Labcorp Genetics (formerly Invitae), Labcorp
Classification: Pathogenic for Glucose-6-phosphate transport defect. Last evaluated: 2019-06-04. Review status: criteria provided, single submitter. Criteria: Invitae Variant Classification Sherloc (09022015). Collection method: clinical testing. Allele origin: germline.
Comment: For these reasons, this variant has been classified as Pathogenic. Loss-of-function variants in SLC37A4 are known to be pathogenic (PMID: 9758626, 10940311). This variant has not been reported in the literature in individuals with SLC37A4-related conditions. This variant is not present in population databases (ExAC no frequency). This sequence change creates a premature translational stop signal (p.Gly310Alafs*2) in the SLC37A4 gene. It is expected to result in an absent or disrupted protein product.

Literature cited by the submitters: PubMed 9758626; PubMed 10940311.